The following is an entry in ClinVar:

ClinVar aggregate classification (germline): Pathogenic (1 of 4 stars; one submission).

Submission:

Labcorp Genetics (formerly Invitae), Labcorp
Classification: Pathogenic. Last evaluated: 2023-06-28. Review status: criteria provided, single submitter. Criteria: Invitae Variant Classification Sherloc (09022015). Collection method: clinical testing. Allele origin: unknown.
Comment: This variant results in the deletion of exons 3-4 and part of exon 2 (c.215_604-121del) of the HOGA1 gene. It is expected to disrupt RNA splicing. Variants that disrupt the donor or acceptor splice site typically lead to a loss of protein function (PMID: 16199547), and loss-of-function variants in HOGA1 are known to be pathogenic (PMID: 22391140, 22781098). This variant has not been reported in the literature in individuals affected with HOGA1-related conditions. For these reasons, this variant has been classified as Pathogenic. This variant disrupts a region of the HOGA1 protein in which other variant(s) (p.Pro190Leu) have been determined to be pathogenic (PMID: 21896830, 22781098, 27561601). This suggests that this is a clinically significant region of the protein, and that variants that disrupt it are likely to be disease-causing.

Literature cited by the submitters: PubMed 16199547; PubMed 22391140; PubMed 22781098; PubMed 21896830; PubMed 27561601.

NC_000010.10:g.(?_99358531)_(99359699_?)del

Gene: HOGA1 (4-hydroxy-2-oxoglutarate aldolase 1; plus strand). Cytogenetic location: 10q24.2.
Variant type: Deletion.
Identifiers: ClinVar variation 3245036 (VCV003245036.1).